The following is an entry in ClinVar:

NM_000303.3(PMM2):c.56C>T (p.Ala19Val)

Gene: PMM2 (phosphomannomutase 2; plus strand). Cytogenetic location: 16p13.2.
Variant type: single nucleotide variant.
Coding change: c.56C>T on transcript NM_000303.3 (MANE Select); coding-DNA position 56, C replaced by T.
Protein change: p.Ala19Val; replaces alanine 19 with valine.
Molecular consequence: missense variant.
Genome position (GRCh38, 1-based): chr16:8,797,938, C>T. VCF-style: chr16-8797938-C-T. GRCh37 (hg19) VCF-style: chr16-8891795-C-T.
Other names: short protein forms A19V.
Identifiers: ClinVar variation 837009 (VCV000837009.8), dbSNP rs750307011, ClinGen allele CA394694900.

ClinVar aggregate classification (germline): Uncertain significance (1 of 4 stars; one submission).

Conditions:
PMM2-congenital disorder of glycosylation. Also called: CDG Ia; JAEKEN SYNDROME; Congenital disorder of glycosylation, type Ia; PHOSPHOMANNOMUTASE 2 DEFICIENCY; CARBOHYDRATE-DEFICIENT GLYCOPROTEIN SYNDROME, TYPE Ia; PMM2-CDG. Identifiers: Orphanet 79318, MedGen C0349653, MONDO:0008907, OMIM 212065.

Allele frequency attached by ClinVar (database versions not stated): TOPMed 0.00002.

Submission:

Labcorp Genetics (formerly Invitae), Labcorp
Classification: Uncertain significance for PMM2-congenital disorder of glycosylation. Last evaluated: 2022-03-27. Review status: criteria provided, single submitter. Criteria: Invitae Variant Classification Sherloc (09022015). Collection method: clinical testing. Allele origin: germline.
Comment: This sequence change replaces alanine, which is neutral and non-polar, with valine, which is neutral and non-polar, at codon 19 of the PMM2 protein (p.Ala19Val). In summary, the available evidence is currently insufficient to determine the role of this variant in disease. Therefore, it has been classified as a Variant of Uncertain Significance. Algorithms developed to predict the effect of missense changes on protein structure and function (SIFT, PolyPhen-2, Align-GVGD) all suggest that this variant is likely to be tolerated. ClinVar contains an entry for this variant (Variation ID: 837009). This variant has not been reported in the literature in individuals affected with PMM2-related conditions. This variant is not present in population databases (gnomAD no frequency).